The following is an entry in ClinVar:

NM_000780.4(CYP7A1):c.1081C>G (p.Leu361Val)

Genes: CYP7A1 (cytochrome P450 family 7 subfamily A member 1; minus strand), LOC126860400 (BRD4-independent group 4 enhancer GRCh37_chr8:59404317-59405516; plus strand). Cytogenetic location: 8q12.1.
Variant type: single nucleotide variant.
Coding change: c.1081C>G on transcript NM_000780.4 (MANE Select); coding-DNA position 1081, C replaced by G.
Protein change: p.Leu361Val; replaces leucine 361 with valine.
Molecular consequence: missense variant.
Genome position (GRCh38, 1-based): chr8:58,492,487, G>C on the plus strand (C>G on the coding strand, the complement: CYP7A1 is on the minus strand). VCF-style: chr8-58492487-G-C. GRCh37 (hg19) VCF-style: chr8-59405046-G-C.
Other names: c.1081C>G (NM_000780.3); short protein forms L361V.
Identifiers: ClinVar variation 1926883 (VCV001926883.6), dbSNP rs1324634115, ClinGen allele CA371292019.

ClinVar aggregate classification (germline): Uncertain significance. Review status: criteria provided, multiple submitters, no conflicts (2 of 4 stars). 2 submissions from 2 submitters: Uncertain significance (2). Last evaluated 2025-04-13.

Allele frequency attached by ClinVar (database versions not stated): gnomAD 0.00002; gnomAD exomes 0.00002.

Submissions (2):

Ambry Genetics
Classification: Uncertain significance. Last evaluated: 2025-04-13. Review status: criteria provided, single submitter. Criteria: Ambry Variant Classification Scheme 2023. Collection method: clinical testing. Allele origin: germline.

Labcorp Genetics (formerly Invitae), Labcorp
Classification: Uncertain significance. Last evaluated: 2022-01-21. Review status: criteria provided, single submitter. Criteria: Invitae Variant Classification Sherloc (09022015). Collection method: clinical testing. Allele origin: germline.
Comment: This variant has not been reported in the literature in individuals affected with CYP7A1-related conditions. This variant is present in population databases (no rsID available, gnomAD 0.003%). This sequence change replaces leucine, which is neutral and non-polar, with valine, which is neutral and non-polar, at codon 361 of the CYP7A1 protein (p.Leu361Val). Algorithms developed to predict the effect of missense changes on protein structure and function are either unavailable or do not agree on the potential impact of this missense change (SIFT: "Deleterious"; PolyPhen-2: "Possibly Damaging"; Align-GVGD: "Class C0"). In summary, the available evidence is currently insufficient to determine the role of this variant in disease. Therefore, it has been classified as a Variant of Uncertain Significance.